The following is an entry in ClinVar:

ClinVar aggregate classification (germline): Uncertain significance. Review status: criteria provided, multiple submitters, no conflicts (2 of 4 stars). 2 submissions from 2 submitters: Uncertain significance (2). Last evaluated 2023-06-27.

Conditions:
Spastic paraplegia. Identifiers: MedGen C0037772, HP:0001258.

Allele frequency attached by ClinVar (database versions not stated): ExAC 0.00002; gnomAD exomes 0.00003; TOPMed 0.00004; gnomAD 0.00005 and 0.00006; ESP Exome Variant Server 0.00008.
gnomAD v4.1: 51 of 1,613,348 alleles (0.0032%); highest among the groups gnomAD compares: Non-Finnish European, 0.0042%; no homozygotes.

Submissions (2):

Labcorp Genetics (formerly Invitae), Labcorp
Classification: Uncertain significance for Spastic paraplegia. Last evaluated: 2023-06-27. Review status: criteria provided, single submitter. Criteria: Invitae Variant Classification Sherloc (09022015). Collection method: clinical testing. Allele origin: germline.
Comment: In summary, the available evidence is currently insufficient to determine the role of this variant in disease. Therefore, it has been classified as a Variant of Uncertain Significance. An algorithm developed to predict the effect of missense changes on protein structure and function (PolyPhen-2) suggests that this variant is likely to be disruptive. ClinVar contains an entry for this variant (Variation ID: 1163147). This variant has not been reported in the literature in individuals affected with RTN2-related conditions. This variant is present in population databases (rs369180811, gnomAD 0.006%). This sequence change replaces leucine, which is neutral and non-polar, with arginine, which is basic and polar, at codon 37 of the RTN2 protein (p.Leu37Arg).

Mayo Clinic Laboratories, Mayo Clinic
Classification: Uncertain significance. Last evaluated: 2023-03-03. Review status: criteria provided, single submitter. Criteria: ACMG Guidelines, 2015. Collection method: clinical testing. Allele origin: germline. Observed: 2 variant alleles.

NM_005619.5(RTN2):c.110T>G (p.Leu37Arg)

Genes: OPA3-RTN2 (OPA3-RTN2 readthrough; minus strand), RTN2 (reticulon 2; minus strand). Cytogenetic location: 19q13.32.
Variant type: single nucleotide variant.
Coding change: c.110T>G on transcript NM_005619.5 (MANE Select); coding-DNA position 110, T replaced by G.
Protein change: p.Leu37Arg; replaces leucine 37 with arginine.
Molecular consequence: missense variant.
Genome position (GRCh38, 1-based): chr19:45,494,975, A>C on the plus strand (T>G on the coding strand, the complement: RTN2 is on the minus strand). VCF-style: chr19-45494975-A-C. GRCh37 (hg19) VCF-style: chr19-45998233-A-C.
Other names: p.L37R; c.110T>G, p.Leu37Arg (NM_206900.3); short protein forms L37R.
Identifiers: ClinVar variation 1163147 (VCV001163147.14), dbSNP rs369180811, ClinGen allele CA9516339.